The following is an entry in ClinVar:

NM_004168.4(SDHA):c.819T>G (p.Thr273=)

Gene: SDHA (succinate dehydrogenase complex flavoprotein subunit A; plus strand). Cytogenetic location: 5p15.33.
Variant type: single nucleotide variant.
Coding change: c.819T>G on transcript NM_004168.4 (MANE Select); coding-DNA position 819, T replaced by G.
Protein change: p.Thr273=; no amino-acid change (threonine 273 retained).
Molecular consequence: synonymous variant.
Genome position (GRCh38, 1-based): chr5:230,924, T>G. VCF-style: chr5-230924-T-G. GRCh37 (hg19) VCF-style: chr5-231039-T-G.
Other names: c.675T>G, p.Thr225= (NM_001294332.2); c.819T>G, p.Thr273= (NM_001330758.2).
Identifiers: ClinVar variation 1967277 (VCV001967277.6), dbSNP rs1041947, ClinGen allele CA442691488.

ClinVar aggregate classification (germline): Benign/Likely benign. Review status: criteria provided, multiple submitters, no conflicts (2 of 4 stars). 2 submissions from 2 submitters: Benign (1); Likely benign (1). Last evaluated 2025-03-03.

Conditions:
Mitochondrial complex II deficiency, nuclear type 1. Also called: SUCCINATE CoQ REDUCTASE DEFICIENCY. Identifiers: Orphanet 3208, MedGen C5700310, MONDO:0100294, OMIM 252011.
Pheochromocytoma/paraganglioma syndrome 5. Also called: Paragangliomas 5; SDHA-Related Hereditary Paraganglioma-Pheochromocytoma Syndrome. Identifiers: Orphanet 29072, MedGen C3279992, MONDO:0013602, OMIM 614165.

Allele frequency attached by ClinVar (database versions not stated): gnomAD exomes below 0.00001.
gnomAD v4.1: 1 of 1,614,030 alleles (0.000062%); highest among the groups gnomAD compares: Non-Finnish European, 0.000085%; no homozygotes.

Submissions (2):

Myriad Genetics, Inc.
Classification: Benign for Pheochromocytoma/paraganglioma syndrome 5. Last evaluated: 2025-03-03. Review status: criteria provided, single submitter. Criteria: Myriad Autosomal Dominant, Autosomal Recessive and X-Linked Classification Criteria (2023). Collection method: clinical testing. Allele origin: unknown.
Comment: This variant is considered benign. This variant is a silent/synonymous amino acid change and it is not expected to impact splicing.

Labcorp Genetics (formerly Invitae), Labcorp
Classification: Likely benign for Pheochromocytoma/paraganglioma syndrome 5; Mitochondrial complex II deficiency, nuclear type 1. Last evaluated: 2023-11-24. Review status: criteria provided, single submitter. Criteria: Invitae Variant Classification Sherloc (09022015). Collection method: clinical testing. Allele origin: germline.